The following is an entry in ClinVar:

ClinVar aggregate classification (germline): Uncertain significance. Review status: criteria provided, multiple submitters, no conflicts (2 of 4 stars). 4 submissions from 4 submitters: Uncertain significance (4). Last evaluated 2024-12-02.

Conditions:
COL13A1-related disorder. Also called: COL13A1-related condition.
Congenital myasthenic syndrome 19. Identifiers: Orphanet 590, MedGen C4225235, MONDO:0014745, OMIM 616720.

Allele frequency attached by ClinVar (database versions not stated): 1000 Genomes Project 0.00020; 1000 Genomes Project 30x 0.00031; ESP Exome Variant Server 0.00033.
gnomAD v4.1: 791 of 1,613,122 alleles (0.049%); highest among the groups gnomAD compares: Middle Eastern, 1.3%; 5 homozygotes.

Submissions (5):

PreventionGenetics, part of Exact Sciences
Classification: Uncertain significance for COL13A1-related condition. Last evaluated: 2024-12-02. Review status: criteria provided, single submitter. Criteria: ACMG Guidelines, 2015. Collection method: clinical testing. Allele origin: germline.
Comment: The COL13A1 c.1029+5G>A variant is predicted to interfere with splicing. To our knowledge, this variant has not been reported in the literature. This variant is reported in 0.11% of alleles in individuals of Ashkenazi Jewish descent in gnomAD, which is likely too frequent to be a primary cause of disease. Although we suspect that this variant may be benign, at this time, the clinical significance of this variant is uncertain due to the absence of conclusive functional and genetic evidence.

Labcorp Genetics (formerly Invitae), Labcorp
Classification: Uncertain significance. Last evaluated: 2022-10-17. Review status: criteria provided, single submitter. Criteria: Invitae Variant Classification Sherloc (09022015). Collection method: clinical testing. Allele origin: germline.
Comment: This sequence change falls in intron 19 of the COL13A1 gene. It does not directly change the encoded amino acid sequence of the COL13A1 protein. It affects a nucleotide within the consensus splice site. This variant is present in population databases (rs200322111, gnomAD 0.1%), and has an allele count higher than expected for a pathogenic variant. This variant has not been reported in the literature in individuals affected with COL13A1-related conditions. ClinVar contains an entry for this variant (Variation ID: 1372269). Variants that disrupt the consensus splice site are a relatively common cause of aberrant splicing (PMID: 17576681, 9536098). Algorithms developed to predict the effect of sequence changes on RNA splicing suggest that this variant may disrupt the consensus splice site. In summary, the available evidence is currently insufficient to determine the role of this variant in disease. Therefore, it has been classified as a Variant of Uncertain Significance.

Fulgent Genetics
Classification: Uncertain significance for Congenital myasthenic syndrome 19. Last evaluated: 2021-11-15. Review status: criteria provided, single submitter. Criteria: ACMG Guidelines, 2015. Collection method: clinical testing. Allele origin: unknown.

Breakthrough Genomics
Classification: Uncertain significance. Review status: criteria provided, single submitter. Criteria: ACMG Guidelines, 2015. Collection method: not provided. Allele origin: germline. Inheritance: Autosomal recessive inheritance. Affected: yes.

Dr. Peter K. Rogan Lab, Western University
No classification provided (evidence only). Condition: Familial cancer of breast. Review status: no classification provided. Collection method: in vitro. Allele origin: not applicable. Functional consequence: retained intron. Not counted in ClinVar's aggregate classification.

Literature cited by the submitters: PubMed 17576681 (cited by Labcorp Genetics (formerly Invitae), Labcorp); PubMed 9536098 (cited by Labcorp Genetics (formerly Invitae), Labcorp).

NM_001368882.1(COL13A1):c.999+5G>A

Gene: COL13A1 (collagen type XIII alpha 1 chain; plus strand). Cytogenetic location: 10q22.1.
Variant type: single nucleotide variant.
Coding change: c.999+5G>A on transcript NM_001368882.1 (MANE Select); 5 bases into the intron after coding-DNA position 999, G replaced by A.
Molecular consequence: intron variant.
Genome position (GRCh38, 1-based): chr10:69,918,322, G>A. VCF-style: chr10-69918322-G-A. GRCh37 (hg19) VCF-style: chr10-71678078-G-A.
Other names: c.999+5G>A (NM_001320951.2, NM_001368884.1); c.1029+5G>A (NM_001130103.2, NM_001130103.1); c.963+5G>A (NM_080801.4, NM_080802.4, NM_001368883.1 and 1 more transcripts); c.972+5G>A (NM_080800.4); c.399+5G>A (NM_001368886.1); c.876+5G>A (NM_080805.4); c.885+5G>A (NM_001368897.1); c.909+5G>A (NM_001368895.1); and 1 more.
Identifiers: ClinVar variation 1372269 (VCV001372269.7), dbSNP rs200322111, ClinGen allele CA5534559.